The following is an entry in ClinVar:

ClinVar aggregate classification (germline): Benign/Likely benign. Review status: criteria provided, multiple submitters, no conflicts (2 of 4 stars). 8 submissions from 8 submitters: Benign (4); Likely benign (3). 1 of the submissions does not count toward it. Last evaluated 2026-02-04.

Conditions:
Vanishing white matter disease. Also called: CACH syndrome; Childhood ataxia with diffuse central nervous system hypomyelination; Leukoencephalopathy with vanishing white matter; CACH/VWM syndrome; Cree leukoencehalopathy. Identifiers: Orphanet 135, Orphanet 99853, MedGen C1858991, MONDO:0800448.

Allele frequency attached by ClinVar (database versions not stated): 1000 Genomes Project 30x 0.00953; 1000 Genomes Project 0.00998; TOPMed 0.01628; gnomAD 0.01634 and 0.01685; ExAC 0.01687; gnomAD exomes 0.01690 and 0.02278; ESP Exome Variant Server 0.01845.

Submissions (8):

Labcorp Genetics (formerly Invitae), Labcorp
Classification: Benign. Last evaluated: 2026-02-04. Review status: criteria provided, single submitter. Criteria: Invitae Variant Classification Sherloc (09022015). Collection method: clinical testing. Allele origin: germline.

Blueprint Genetics
Classification: Likely benign. Last evaluated: 2024-11-26. Review status: criteria provided, single submitter. Criteria: ACMG Guidelines, 2015. Collection method: clinical testing. Allele origin: germline.

Mayo Clinic Laboratories, Mayo Clinic
Classification: Benign. Last evaluated: 2023-01-03. Review status: criteria provided, single submitter. Criteria: ACMG Guidelines, 2015. Collection method: clinical testing. Allele origin: germline. Observed: 22 variant alleles.
Comment: BS1, BS2, BP4, BP7

GeneDx
Classification: Likely benign. Last evaluated: 2018-10-17. Review status: criteria provided, single submitter. Criteria: GeneDx Variant Classification Process June 2021. Collection method: clinical testing. Allele origin: germline. Affected: yes.

Illumina Laboratory Services, Illumina
Classification: Benign for Leukoencephalopathy with vanishing white matter 1. Last evaluated: 2018-01-12. Review status: criteria provided, single submitter. Criteria: ICSL Variant Classification Criteria 13 December 2019. Collection method: clinical testing. Allele origin: germline.
Comment: This variant was observed in the ICSL laboratory as part of a predisposition screen in an ostensibly healthy population. It had not been previously curated by ICSL or reported in the Human Gene Mutation Database (HGMD: prior to June 1st, 2018), and was therefore a candidate for classification through an automated scoring system. Utilizing variant allele frequency, disease prevalence and penetrance estimates, and inheritance mode, an automated score was calculated to assess if this variant is too frequent to cause the disease. Based on the score and internal cut-off values, a variant classified as benign is not then subjected to further curation. The score for this variant resulted in a classification of benign for this disease.

Breakthrough Genomics
Classification: Likely benign. Review status: criteria provided, single submitter. Criteria: ACMG Guidelines, 2015. Collection method: not provided. Allele origin: germline. Inheritance: Autosomal recessive inheritance. Affected: yes.

PreventionGenetics, part of Exact Sciences
Classification: Benign. Review status: criteria provided, single submitter. Criteria: ACMG Guidelines, 2015. Collection method: clinical testing. Allele origin: germline.

Genetic Services Laboratory, University of Chicago
Classification: Likely benign for AllHighlyPenetrant. Review status: no assertion criteria provided. Collection method: clinical testing. Allele origin: germline. Inheritance: Autosomal recessive inheritance. Not counted in ClinVar's aggregate classification.
Comment: Likely benign based on allele frequency in 1000 Genomes Project or ESP global frequency and its presence in a patient with a rare or unrelated disease phenotype. NOT Sanger confirmed.

NM_001034116.2(EIF2B4):c.729G>A (p.Pro243=)

Genes: EIF2B4 (eukaryotic translation initiation factor 2B subunit delta; minus strand), GTF3C2-AS2 (GTF3C2 antisense RNA 2; plus strand). Cytogenetic location: 2p23.3.
Variant type: single nucleotide variant.
Coding change: c.729G>A on transcript NM_001034116.2 (MANE Select); coding-DNA position 729, G replaced by A.
Protein change: p.Pro243=; no amino-acid change (proline 243 retained).
Molecular consequence: synonymous variant.
Genome position (GRCh38, 1-based): chr2:27,367,799, C>T on the plus strand (G>A on the coding strand, the complement: EIF2B4 is on the minus strand). VCF-style: chr2-27367799-C-T. GRCh37 (hg19) VCF-style: chr2-27590666-C-T.
Other names: p.Pro242=; c.792G>A, p.Pro264= (NM_001318965.2); c.684G>A, p.Pro228= (NM_001318966.2); c.636G>A, p.Pro212= (NM_001318967.2); c.144G>A, p.Pro48= (NM_001318968.2); c.111G>A, p.Pro37= (NM_001318969.2); c.726G>A, p.Pro242= (NM_015636.4); c.789G>A, p.Pro263= (NM_172195.4).
Identifiers: ClinVar variation 128989 (VCV000128989.24), dbSNP rs41288829, ClinGen allele CA152719.
Genomic context (GRCh38, chr2:27,367,799, plus strand): 5'-TCCCTACCTCATGTAGGGTTTTAGTTTATTCACTAGATCCCTGGAGAGTTCTTCATTAGG[C>T]GGTGTTGTGTAATCCTGAATCACCTATAGGGTACACAAGGTGATCTGCAAAATACCCCTT-3'
Protein context (NP_001029288.1, residues 233-253): LQQVIQDYTT[Pro243=]PNEELSRDLV